The following is an entry in ClinVar:

NM_022788.5(P2RY12):c.85C>G (p.Pro29Ala)

Genes: MED12L (mediator complex subunit 12L; plus strand), P2RY12 (purinergic receptor P2Y12; minus strand). Cytogenetic location: 3q25.1.
Variant type: single nucleotide variant.
Coding change: c.85C>G on transcript NM_022788.5 (MANE Select); coding-DNA position 85, C replaced by G.
Protein change: p.Pro29Ala; replaces proline 29 with alanine.
Molecular consequence: missense variant. On other transcripts: intron variant (2).
Genome position (GRCh38, 1-based): chr3:151,338,761, G>C on the plus strand (C>G on the coding strand, the complement: P2RY12 is on the minus strand). VCF-style: chr3-151338761-G-C. GRCh37 (hg19) VCF-style: chr3-151056549-G-C.
Other names: c.85C>G, p.Pro29Ala (NM_176876.3); c.2251-11298G>C (NM_001393769.1); c.2146-11298G>C (NM_053002.6); short protein forms P29A.
Identifiers: ClinVar variation 2074644 (VCV002074644.4), dbSNP rs750320737, ClinGen allele CA354983873.
Genomic context (GRCh38, chr3:151,338,761, plus strand): 5'-TCCTCATCGCCAGGCCATTTGTGATAAGTCCAACAAAAAACAGGACAGTGTAGAGCAGTG[G>C]GAAGAGGACCTGGGTGATTTTGTAGTCTCTGGTGCACAGACTGGTGTTACCAGGCGCAGA-3'
Protein context (NP_073625.1, residues 19-39): RDYKITQVLF[Pro29Ala]LLYTVLFFVG

ClinVar aggregate classification (germline): Uncertain significance (1 of 4 stars; one submission).

gnomAD v4.1: 1 of 1,613,464 alleles (0.000062%); highest among the groups gnomAD compares: Non-Finnish European, 0.000085%; no homozygotes.

Submission:

Labcorp Genetics (formerly Invitae), Labcorp
Classification: Uncertain significance. Last evaluated: 2025-03-18. Review status: criteria provided, single submitter. Criteria: Invitae Variant Classification Sherloc (09022015). Collection method: clinical testing. Allele origin: germline.
Comment: This sequence change replaces proline, which is neutral and non-polar, with alanine, which is neutral and non-polar, at codon 29 of the P2RY12 protein (p.Pro29Ala). This variant is not present in population databases (gnomAD no frequency). This variant has not been reported in the literature in individuals affected with P2RY12-related conditions. ClinVar contains an entry for this variant (Variation ID: 2074644). An algorithm developed to predict the effect of missense changes on protein structure and function (PolyPhen-2) suggests that this variant is likely to be disruptive. In summary, the available evidence is currently insufficient to determine the role of this variant in disease. Therefore, it has been classified as a Variant of Uncertain Significance.